The following is an entry in ClinVar:

NM_020320.5(RARS2):c.536-7A>G

Gene: RARS2 (arginyl-tRNA synthetase 2, mitochondrial; minus strand). Cytogenetic location: 6q15.
Variant type: single nucleotide variant.
Coding change: c.536-7A>G on transcript NM_020320.5 (MANE Select); 7 bases into the intron before coding-DNA position 536, A replaced by G.
Molecular consequence: intron variant.
Genome position (GRCh38, 1-based): chr6:87,542,001, T>C on the plus strand (A>G on the coding strand, the complement: RARS2 is on the minus strand). VCF-style: chr6-87542001-T-C. GRCh37 (hg19) VCF-style: chr6-88251719-T-C.
Other names: c.536-7A>G (NM_001350505.2); c.11-7A>G (NM_001350509.2, NM_001318785.2, NM_001350506.2 and 4 more transcripts).
Identifiers: ClinVar variation 389408 (VCV000389408.8), dbSNP rs906902972, ClinGen allele CA16605171.

ClinVar aggregate classification (germline): Likely benign. Review status: criteria provided, multiple submitters, no conflicts (2 of 4 stars). 2 submissions from 2 submitters: Likely benign (2). Last evaluated 2025-08-01.

Allele frequency attached by ClinVar (database versions not stated): gnomAD exomes below 0.00001; gnomAD 0.00001; TOPMed 0.00002.
gnomAD v4.1: 6 of 1,608,154 alleles (0.00037%); highest among the groups gnomAD compares: Middle Eastern, 0.016%; no homozygotes.

Submissions (2):

Labcorp Genetics (formerly Invitae), Labcorp
Classification: Likely benign. Last evaluated: 2025-08-01. Review status: criteria provided, single submitter. Criteria: Invitae Variant Classification Sherloc (09022015). Collection method: clinical testing. Allele origin: germline.

GeneDx
Classification: Likely benign. Last evaluated: 2016-10-04. Review status: criteria provided, single submitter. Criteria: GeneDx Variant Classification (06012015). Collection method: clinical testing. Allele origin: germline. Affected: yes.
Comment: This variant is considered likely benign or benign based on one or more of the following criteria: it is a conservative change, it occurs at a poorly conserved position in the protein, it is predicted to be benign by multiple in silico algorithms, and/or has population frequency not consistent with disease.